The following is an entry in ClinVar:

NM_001369.3(DNAH5):c.12599dup (p.Phe4201fs)

Gene: DNAH5 (dynein axonemal heavy chain 5; minus strand). Cytogenetic location: 5p15.2.
Variant type: Duplication.
Coding change: c.12599dup on transcript NM_001369.3 (MANE Select); coding-DNA position 12599, one base duplicated (A; older notation c.12599dupA).
Protein change: p.Phe4201fs; shifts the reading frame from phenylalanine 4201.
Molecular consequence: frameshift variant.
Genome position (GRCh38, 1-based): chr5:13,717,421, T duplicated on the plus strand (A on the coding strand, the reverse complement: DNAH5 is on the minus strand); the first of 2 consecutive T bases (chr5:13,717,421-13,717,422); duplicating either gives the same sequence. VCF-style (leftmost placement, unchanged base first): chr5-13717420-C-CT. GRCh37 (hg19) VCF-style: chr5-13717529-C-CT.
Other names: c.12599dupA (NM_001369.2); short protein forms F4201fs.
Identifiers: ClinVar variation 407238 (VCV000407238.8), dbSNP rs1554020233, ClinGen allele CA16611796.
Genomic context (GRCh38, chr5:13,717,420, plus strand): 5'-AGTGGCATTAAAGTCCGCTTGGTTAAATTCGTAGGGGATATTCCACCCCAGGGCACCGAA[C>CT]TTGCGCCTCTCCTGGACAGTGGAGTGCAGGAAAGCCACTGCGTACAGCATGGGCTTCCAC-3'

ClinVar aggregate classification (germline): Pathogenic. Review status: criteria provided, multiple submitters, no conflicts (2 of 4 stars). 2 submissions from 2 submitters: Pathogenic (2). Last evaluated 2024-05-08.

Conditions:
Primary ciliary dyskinesia. Also called: Ciliary dyskinesia. Identifiers: Orphanet 244, MedGen C0008780, MONDO:0016575, HP:0012265.
Primary ciliary dyskinesia 3. Identifiers: Orphanet 244, MedGen C1837618, MONDO:0012085, OMIM 608644.

Submissions (2):

Myriad Genetics, Inc.
Classification: Pathogenic for Primary ciliary dyskinesia 3. Last evaluated: 2024-05-08. Review status: criteria provided, single submitter. Criteria: Myriad Autosomal Dominant, Autosomal Recessive and X-Linked Classification Criteria (2023). Collection method: clinical testing. Allele origin: unknown.
Comment: NM_001369.2(DNAH5):c.12599dupA(F4201Vfs*13) is expected to be pathogenic in the context of primary ciliary dyskinesia, DNAH5-related. This variant is predicted to lead to an abnormal or absent protein product due to the creation of a premature termination codon in DNAH5, a gene where loss-of-function variants are known to be pathogenic. Please note: this variant was assessed in the context of healthy population screening.

Labcorp Genetics (formerly Invitae), Labcorp
Classification: Pathogenic for Primary ciliary dyskinesia. Last evaluated: 2023-06-04. Review status: criteria provided, single submitter. Criteria: Invitae Variant Classification Sherloc (09022015). Collection method: clinical testing. Allele origin: germline.
Comment: For these reasons, this variant has been classified as Pathogenic. ClinVar contains an entry for this variant (Variation ID: 407238). This variant has not been reported in the literature in individuals affected with DNAH5-related conditions. This variant is not present in population databases (gnomAD no frequency). This sequence change creates a premature translational stop signal (p.Phe4201Valfs*13) in the DNAH5 gene. It is expected to result in an absent or disrupted protein product. Loss-of-function variants in DNAH5 are known to be pathogenic (PMID: 11788826, 16627867).

Literature cited by the submitters: PubMed 11788826 (cited by Labcorp Genetics (formerly Invitae), Labcorp); PubMed 16627867 (cited by Labcorp Genetics (formerly Invitae), Labcorp).